The following is an entry in ClinVar:

NM_005214.5(CTLA4):c.462A>C (p.Pro154=)

Gene: CTLA4 (cytotoxic T-lymphocyte associated protein 4; plus strand). Cytogenetic location: 2q33.2.
Variant type: single nucleotide variant.
Coding change: c.462A>C on transcript NM_005214.5 (MANE Select); coding-DNA position 462, A replaced by C.
Protein change: p.Pro154=; no amino-acid change (proline 154 retained).
Molecular consequence: synonymous variant. On other transcripts: intron variant (1).
Genome position (GRCh38, 1-based): chr2:203,871,382, A>C. VCF-style: chr2-203871382-A-C. GRCh37 (hg19) VCF-style: chr2-204736105-A-C.
Other names: c.457+449A>C (NM_001037631.3).
Identifiers: ClinVar variation 3046724 (VCV003046724.2), dbSNP rs2469720726, ClinGen allele CA431020416.

ClinVar aggregate classification (germline): Likely benign (0 of 4 stars; one submission).

Conditions:
CTLA4-related disorder. Also called: CTLA4-related condition.

Submission:

PreventionGenetics, part of Exact Sciences
Classification: Likely benign for CTLA4-related condition. Last evaluated: 2021-09-17. Review status: no assertion criteria provided. Collection method: clinical testing. Allele origin: germline.
Comment: This variant is classified as likely benign based on ACMG/AMP sequence variant interpretation guidelines (Richards et al. 2015 PMID: 25741868, with internal and published modifications).